The following is an entry in ClinVar:

NM_001388367.1(NBPF9):c.1893C>A (p.Val631=)

Gene: NBPF9 (NBPF member 9; minus strand). Cytogenetic location: 1q21.2.
Variant type: single nucleotide variant.
Coding change: c.1893C>A on transcript NM_001388367.1 (MANE Select); coding-DNA position 1893, C replaced by A.
Protein change: p.Val631=; no amino-acid change (valine 631 retained).
Molecular consequence: synonymous variant.
Genome position (GRCh38, 1-based): chr1:149,063,766, G>T on the plus strand (C>A on the coding strand, the complement: NBPF9 is on the minus strand). VCF-style: chr1-149063766-G-T. GRCh37 (hg19) VCF-style: chr1-144823852-C-A.
Other names: c.1893C>A, p.Val631= (NM_001037675.4, NM_001277444.2, NM_001388366.1 and 15 more transcripts); c.1782C>A, p.Val594= (NM_001388371.1).
Identifiers: ClinVar variation 2639063 (VCV002639063.24), dbSNP rs782474996, ClinGen allele CA889051898.

ClinVar aggregate classification (germline): Likely benign (1 of 4 stars; one submission).

Allele frequency attached by ClinVar (database versions not stated): 1000 Genomes Project 30x 0.00047; gnomAD 0.00139; gnomAD exomes 0.00173.
gnomAD v4.1: 1,011 of 611,146 alleles (0.17%); highest among the groups gnomAD compares: Non-Finnish European, 0.24%; 3 homozygotes.

Submission:

CeGaT Center for Human Genetics Tuebingen
Classification: Likely benign. Last evaluated: 2022-05-01. Review status: criteria provided, single submitter. Criteria: CeGaT Center For Human Genetics Tuebingen Variant Classification Criteria Version 2. Collection method: clinical testing. Allele origin: germline. Affected: yes. Observed: 1 variant allele.
Comment: NBPF9: BP4, BP7